The following is an entry in ClinVar:

ClinVar aggregate classification (germline): Benign. Review status: criteria provided, multiple submitters, no conflicts (2 of 4 stars). 3 submissions from 3 submitters: Benign (3). Last evaluated 2024-07-15.

Allele frequency attached by ClinVar (database versions not stated): gnomAD exomes 0.45563; gnomAD 0.51613 and 0.51869; TOPMed 0.52272; 1000 Genomes Project 30x 0.59744; 1000 Genomes Project 0.60304.
gnomAD v4.1: 701,365 of 1,514,810 alleles (46%); highest among the groups gnomAD compares: East Asian, 69%; 166,474 homozygotes.

Submissions (3):

Unidad de Genómica Garrahan, Hospital de Pediatría Garrahan
Classification: Benign. Last evaluated: 2024-07-15. Review status: criteria provided, single submitter. Criteria: ACMG Guidelines, 2015. Collection method: clinical testing. Allele origin: germline. Affected: no. Observed: 66 variant alleles.
Comment: This variant is classified as Benign based on local population frequency. This variant was detected in 71% of patients studied in a panel designed for Epileptic and Developmental Encephalopathy and Progressive Myoclonus Epilepsy. Number of patients: 66. Only high quality variants are reported.

GeneDx
Classification: Benign. Last evaluated: 2018-07-05. Review status: criteria provided, single submitter. Criteria: GeneDx Variant Classification Process June 2021. Collection method: clinical testing. Allele origin: germline. Affected: yes.

Breakthrough Genomics
Classification: Benign. Review status: criteria provided, single submitter. Criteria: ACMG Guidelines, 2015. Collection method: not provided. Allele origin: germline. Inheritance: Autosomal recessive inheritance. Affected: yes.

NM_022089.4(ATP13A2):c.289-109T>C

Gene: ATP13A2 (ATPase cation transporting 13A2; minus strand). Cytogenetic location: 1p36.13.
Variant type: single nucleotide variant.
Coding change: c.289-109T>C on transcript NM_022089.4 (MANE Select); 109 bases into the intron before coding-DNA position 289, T replaced by C.
Molecular consequence: intron variant.
Genome position (GRCh38, 1-based): chr1:17,005,181, A>G on the plus strand (T>C on the coding strand, the complement: ATP13A2 is on the minus strand). VCF-style: chr1-17005181-A-G. GRCh37 (hg19) VCF-style: chr1-17331676-A-G.
Other names: c.289-109T>C (NM_001141974.3, NM_001141973.3).
Identifiers: ClinVar variation 1270274 (VCV001270274.4), dbSNP rs3738814, ClinGen allele CA10662051.